The following is an entry in ClinVar:

NM_000038.6(APC):c.1469A>G (p.Asn490Ser)

Gene: APC (APC regulator of Wnt signaling pathway; plus strand). Cytogenetic location: 5q22.2.
Variant type: single nucleotide variant.
Coding change: c.1469A>G on transcript NM_000038.6 (MANE Select); coding-DNA position 1469, A replaced by G.
Protein change: p.Asn490Ser; replaces asparagine 490 with serine.
Molecular consequence: missense variant.
Genome position (GRCh38, 1-based): chr5:112,827,168, A>G. VCF-style: chr5-112827168-A-G. GRCh37 (hg19) VCF-style: chr5-112162865-A-G.
Other names: c.1469A>G (NM_000038.5); c.1469A>G, p.Asn490Ser (NM_001127510.3, NM_001354895.2, NM_001407450.1); c.1415A>G, p.Asn472Ser (NM_001127511.3); c.1523A>G, p.Asn508Ser (NM_001354896.2, NM_001407447.1, NM_001407448.1 and 1 more transcripts); c.1499A>G, p.Asn500Ser (NM_001354897.2); c.1394A>G, p.Asn465Ser (NM_001354898.2); c.1385A>G, p.Asn462Ser (NM_001354899.2); c.1346A>G, p.Asn449Ser (NM_001354900.2); and 12 more; short protein forms N389S, N399S, N407S, N431S, N500S, N508S, N106S, N330S.
Identifiers: ClinVar variation 2977373 (VCV002977373.4), dbSNP rs2533196388, ClinGen allele CA16024520.

ClinVar aggregate classification (germline): Uncertain significance. Review status: criteria provided, multiple submitters, no conflicts (2 of 4 stars). 2 submissions from 2 submitters: Uncertain significance (2). Last evaluated 2024-11-06.

Conditions:
Familial adenomatous polyposis 1 (FAP1). Also called: FAMILIAL ADENOMATOUS POLYPOSIS 1, ATTENUATED; POLYPOSIS, ADENOMATOUS INTESTINAL. Identifiers: MedGen C2713442, MONDO:0021056, OMIM 175100. Disease mechanism: loss of function.
Hereditary cancer-predisposing syndrome. Also called: Neoplastic Syndromes, Hereditary; Hereditary neoplastic syndrome; Hereditary Cancer Syndrome; Tumor predisposition. Identifiers: Orphanet 140162, MedGen C0027672, MeSH D009386, MONDO:0015356.

Submissions (2):

Ambry Genetics
Classification: Uncertain significance for Hereditary cancer-predisposing syndrome. Last evaluated: 2024-11-06. Review status: criteria provided, single submitter. Criteria: Ambry Variant Classification Scheme 2023. Collection method: clinical testing. Allele origin: germline.
Comment: The p.N490S variant (also known as c.1469A>G), located in coding exon 11 of the APC gene, results from an A to G substitution at nucleotide position 1469. The asparagine at codon 490 is replaced by serine, an amino acid with highly similar properties. This amino acid position is conserved. In addition, in silico predictors for this gene do not accurately predict pathogenicity. Based on the available evidence, the clinical significance of this variant remains unclear.

Labcorp Genetics (formerly Invitae), Labcorp
Classification: Uncertain significance for Familial adenomatous polyposis 1. Last evaluated: 2024-06-10. Review status: criteria provided, single submitter. Criteria: Invitae Variant Classification Sherloc (09022015). Collection method: clinical testing. Allele origin: germline.
Comment: This sequence change replaces asparagine, which is neutral and polar, with serine, which is neutral and polar, at codon 490 of the APC protein (p.Asn490Ser). This variant is not present in population databases (gnomAD no frequency). This variant has not been reported in the literature in individuals affected with APC-related conditions. Advanced modeling of protein sequence and biophysical properties (such as structural, functional, and spatial information, amino acid conservation, physicochemical variation, residue mobility, and thermodynamic stability) performed at Invitae indicates that this missense variant is not expected to disrupt APC protein function with a negative predictive value of 95%. In summary, the available evidence is currently insufficient to determine the role of this variant in disease. Therefore, it has been classified as a Variant of Uncertain Significance.